The following is an entry in ClinVar:

ClinVar aggregate classification (germline): Uncertain significance (1 of 4 stars; one submission).

Allele frequency attached by ClinVar (database versions not stated): gnomAD exomes below 0.00001.
gnomAD v4.1: 2 of 1,614,198 alleles (0.00012%); highest among the groups gnomAD compares: Non-Finnish European, 0.00017%; no homozygotes.

Submission:

Labcorp Genetics (formerly Invitae), Labcorp
Classification: Uncertain significance. Last evaluated: 2022-08-09. Review status: criteria provided, single submitter. Criteria: Invitae Variant Classification Sherloc (09022015). Collection method: clinical testing. Allele origin: germline.
Comment: In summary, the available evidence is currently insufficient to determine the role of this variant in disease. Therefore, it has been classified as a Variant of Uncertain Significance. Algorithms developed to predict the effect of missense changes on protein structure and function (SIFT, PolyPhen-2, Align-GVGD) all suggest that this variant is likely to be tolerated. This variant has not been reported in the literature in individuals affected with CNGA1-related conditions. This variant is not present in population databases (gnomAD no frequency). This sequence change replaces methionine, which is neutral and non-polar, with isoleucine, which is neutral and non-polar, at codon 651 of the CNGA1 protein (p.Met651Ile).

NM_001379270.1(CNGA1):c.1941G>A (p.Met647Ile)

Genes: CNGA1 (cyclic nucleotide gated channel subunit alpha 1; minus strand), LOC101927157 (uncharacterized LOC101927157; plus strand). Cytogenetic location: 4p12.
Variant type: single nucleotide variant.
Coding change: c.1941G>A on transcript NM_001379270.1 (MANE Select); coding-DNA position 1941, G replaced by A.
Protein change: p.Met647Ile; replaces methionine 647 with isoleucine.
Molecular consequence: missense variant.
Genome position (GRCh38, 1-based): chr4:47,936,541, C>T on the plus strand (G>A on the coding strand, the complement: CNGA1 is on the minus strand). VCF-style: chr4-47936541-C-T. GRCh37 (hg19) VCF-style: chr4-47938558-C-T.
Other names: c.1941G>A, p.Met647Ile (NM_000087.5, NM_001142564.2); short protein forms M647I.
Identifiers: ClinVar variation 2132594 (VCV002132594.4), dbSNP rs2475745286, ClinGen allele CA356823133.